The following is an entry in ClinVar:

ClinVar aggregate classification (germline): Pathogenic (1 of 4 stars; one submission).

Conditions:
Alstrom syndrome (ALMS). Identifiers: Orphanet 64, MedGen C0268425, MONDO:0008763, OMIM 203800.

Submission:

Labcorp Genetics (formerly Invitae), Labcorp
Classification: Pathogenic for Alstrom syndrome. Last evaluated: 2023-07-19. Review status: criteria provided, single submitter. Criteria: Invitae Variant Classification Sherloc (09022015). Collection method: clinical testing. Allele origin: germline.
Comment: This sequence change creates a premature translational stop signal (p.Gln1953*) in the ALMS1 gene. It is expected to result in an absent or disrupted protein product. Loss-of-function variants in ALMS1 are known to be pathogenic (PMID: 17594715). This variant is not present in population databases (gnomAD no frequency). This variant has not been reported in the literature in individuals affected with ALMS1-related conditions. ClinVar contains an entry for this variant (Variation ID: 2032157). For these reasons, this variant has been classified as Pathogenic.

Literature cited by the submitters: PubMed 17594715.

NM_001378454.1(ALMS1):c.5854C>T (p.Gln1952Ter)

Gene: ALMS1 (ALMS1 centrosome and basal body associated protein; plus strand). Cytogenetic location: 2p13.1.
Variant type: single nucleotide variant.
Coding change: c.5854C>T on transcript NM_001378454.1 (MANE Select); coding-DNA position 5854, C replaced by T.
Protein change: p.Gln1952Ter; replaces glutamine 1952 with a stop codon.
Molecular consequence: nonsense.
Genome position (GRCh38, 1-based): chr2:73,452,381, C>T. VCF-style: chr2-73452381-C-T. GRCh37 (hg19) VCF-style: chr2-73679508-C-T.
Other names: c.5857C>T, p.Gln1953Ter (NM_015120.4); short protein forms Q1952*, Q1953*.
Identifiers: ClinVar variation 2032157 (VCV002032157.4), dbSNP rs2466106666, ClinGen allele CA347283578.